The following is an entry in ClinVar:

NM_016492.5(RANGRF):c.132C>A (p.Asp44Glu)

Genes: RANGRF (RAN guanine nucleotide release factor; plus strand), SLC25A35 (solute carrier family 25 member 35; minus strand), LOC130060241 (ATAC-STARR-seq lymphoblastoid active region 11693; plus strand). Cytogenetic location: 17p13.1.
Variant type: single nucleotide variant.
Coding change: c.132C>A on transcript NM_016492.5 (MANE Select); coding-DNA position 132, C replaced by A.
Protein change: p.Asp44Glu; replaces aspartic acid 44 with glutamic acid.
Molecular consequence: missense variant. On other transcripts: 3 prime UTR variant (2), non-coding transcript variant (2), intron variant (1).
Genome position (GRCh38, 1-based): chr17:8,289,010, C>A. VCF-style: chr17-8289010-C-A. GRCh37 (hg19) VCF-style: chr17-8192328-C-A.
Other names: c.132C>A, p.Asp44Glu (NM_001177801.2, NM_001177802.2, NM_001330127.2); c.*473G>T (NM_001320872.2); c.*606G>T (NM_201520.3); c.*42+564G>T (NM_001320871.2); short protein forms D44E.
Identifiers: ClinVar variation 288027 (VCV000288027.16), dbSNP rs762109580, ClinGen allele CA8374325.

ClinVar aggregate classification (germline): Uncertain significance. Review status: criteria provided, multiple submitters, no conflicts (2 of 4 stars). 2 submissions from 2 submitters: Uncertain significance (2). Last evaluated 2025-09-18.

Conditions:
Cardiac arrhythmia. Also called: Arrhythmia; Cardiac rhythm disease. Identifiers: MedGen C0003811, MONDO:0007263, HP:0011675.

Allele frequency attached by ClinVar (database versions not stated): TOPMed 0.00001; gnomAD exomes 0.00001; gnomAD 0.00003; ExAC 0.00001.
gnomAD v4.1: 33 of 1,613,998 alleles (0.002%); highest among the groups gnomAD compares: Non-Finnish European, 0.0026%; no homozygotes.

Submissions (2):

Labcorp Genetics (formerly Invitae), Labcorp
Classification: Uncertain significance for Cardiac arrhythmia. Last evaluated: 2025-09-18. Review status: criteria provided, single submitter. Criteria: Invitae Variant Classification Sherloc (09022015). Collection method: clinical testing. Allele origin: germline.
Comment: This sequence change replaces aspartic acid, which is acidic and polar, with glutamic acid, which is acidic and polar, at codon 44 of the RANGRF protein (p.Asp44Glu). This variant is present in population databases (rs762109580, gnomAD 0.004%). This variant has not been reported in the literature in individuals affected with RANGRF-related conditions. ClinVar contains an entry for this variant (Variation ID: 288027). An algorithm developed to predict the effect of missense changes on protein structure and function outputs the following: PolyPhen-2: "Benign". The glutamic acid amino acid residue is found in multiple mammalian species, which suggests that this missense change does not adversely affect protein function. In summary, the available evidence is currently insufficient to determine the role of this variant in disease. Therefore, it has been classified as a Variant of Uncertain Significance.

Eurofins Ntd Llc (ga)
Classification: Uncertain significance. Last evaluated: 2016-06-16. Review status: criteria provided, single submitter. Criteria: EGL Classification Definitions 2015. Collection method: clinical testing. Allele origin: germline. Observed: 1 variant allele, 1 heterozygote.